The following is an entry in ClinVar:

ClinVar aggregate classification (germline): Likely pathogenic (1 of 4 stars; one submission).

Conditions:
Bleeding and platelet disorders.

Submission:

North West Genomic Laboratory Hub, Manchester University NHS Foundation Trust
Classification: Likely pathogenic for Bleeding and platelet disorders. Last evaluated: 2024-08-13. Review status: criteria provided, single submitter. Criteria: ACGS Best Practice Guidelines for Variant Classification in Rare Disease 2020. Collection method: clinical testing. Allele origin: germline. Affected: yes.
Comment: PVS1_Str PM2_Mod

NM_002017.5(FLI1):c.1058dup (p.Lys354fs)

Gene: FLI1 (Fli-1 proto-oncogene, ETS transcription factor; plus strand). Cytogenetic location: 11q24.3.
Variant type: Duplication.
Coding change: c.1058dup on transcript NM_002017.5 (MANE Select); coding-DNA position 1058, one base duplicated (G; older notation c.1058dupG).
Protein change: p.Lys354fs; shifts the reading frame from lysine 354.
Molecular consequence: frameshift variant.
Genome position (GRCh38, 1-based): chr11:128,810,687, G duplicated; the last of 2 consecutive G bases (chr11:128,810,686-128,810,687); duplicating either gives the same sequence. VCF-style (leftmost placement, unchanged base first): chr11-128810685-C-CG. GRCh37 (hg19) VCF-style: chr11-128680580-C-CG.
Other names: c.959dup, p.Lys321fs (NM_001167681.3, NM_001440369.1, NM_001440370.1 and 1 more transcripts); c.860dup, p.Lys288fs (NM_001271010.2); c.479dup, p.Lys161fs (NM_001271012.2); c.932dup, p.Lys312fs (NM_001440372.1); short protein forms K161fs, K288fs, K312fs, K321fs, K354fs.
Identifiers: ClinVar variation 4886881 (VCV004886881.1).